The following is an entry in ClinVar:

ClinVar aggregate classification (germline): Uncertain significance. Review status: criteria provided, multiple submitters, no conflicts (2 of 4 stars). 2 submissions from 2 submitters: Uncertain significance (2). Last evaluated 2024-03-01.

Conditions:
Dilated cardiomyopathy 1DD (CMD1DD). Identifiers: Orphanet 154, MedGen C2750995, MONDO:0013168, OMIM 613172.
Cardiovascular phenotype. Identifiers: MedGen CN230736.

Submissions (2):

Ambry Genetics
Classification: Uncertain significance for Cardiovascular phenotype. Last evaluated: 2024-03-01. Review status: criteria provided, single submitter. Criteria: Ambry Variant Classification Scheme 2023. Collection method: clinical testing. Allele origin: germline.
Comment: The p.M995T variant (also known as c.2984T>C), located in coding exon 11 of the RBM20 gene, results from a T to C substitution at nucleotide position 2984. The methionine at codon 995 is replaced by threonine, an amino acid with similar properties. This amino acid position is not well conserved in available vertebrate species, and threonine is the reference amino acid in other vertebrate species. In addition, this alteration is predicted to be tolerated by in silico analysis. Since supporting evidence is limited at this time, the clinical significance of this alteration remains unclear.

Labcorp Genetics (formerly Invitae), Labcorp
Classification: Uncertain significance for Dilated cardiomyopathy 1DD. Last evaluated: 2022-07-22. Review status: criteria provided, single submitter. Criteria: Invitae Variant Classification Sherloc (09022015). Collection method: clinical testing. Allele origin: germline.
Comment: This sequence change replaces methionine, which is neutral and non-polar, with threonine, which is neutral and polar, at codon 995 of the RBM20 protein (p.Met995Thr). This variant is not present in population databases (gnomAD no frequency). This variant has not been reported in the literature in individuals affected with RBM20-related conditions. Advanced modeling of protein sequence and biophysical properties (such as structural, functional, and spatial information, amino acid conservation, physicochemical variation, residue mobility, and thermodynamic stability) performed at Invitae indicates that this missense variant is not expected to disrupt RBM20 protein function. In summary, the available evidence is currently insufficient to determine the role of this variant in disease. Therefore, it has been classified as a Variant of Uncertain Significance.

NM_001134363.3(RBM20):c.2984T>C (p.Met995Thr)

Gene: RBM20 (RNA binding motif protein 20; plus strand). Cytogenetic location: 10q25.2.
Variant type: single nucleotide variant.
Coding change: c.2984T>C on transcript NM_001134363.3 (MANE Select); coding-DNA position 2984, T replaced by C.
Protein change: p.Met995Thr; replaces methionine 995 with threonine.
Molecular consequence: missense variant.
Genome position (GRCh38, 1-based): chr10:110,821,603, T>C. VCF-style: chr10-110821603-T-C. GRCh37 (hg19) VCF-style: chr10-112581361-T-C.
Other names: short protein forms M995T.
Identifiers: ClinVar variation 1798424 (VCV001798424.7), dbSNP rs1844911068, ClinGen allele CA378378758.